The following is an entry in ClinVar:

ClinVar aggregate classification (germline): Uncertain significance (1 of 4 stars; one submission).

Conditions:
Aniridia 1 (AN1). Identifiers: Orphanet 250923, MedGen C0344542, MONDO:0024507, OMIM 106210.
Irido-corneo-trabecular dysgenesis (ASGD5). Also called: ANTERIOR SEGMENT DYSGENESIS 5. Identifiers: Orphanet 708, MedGen C0344559, MONDO:0011414, OMIM 604229, HP:0000659.

Submission:

Labcorp Genetics (formerly Invitae), Labcorp
Classification: Uncertain significance for Aniridia 1; Irido-corneo-trabecular dysgenesis. Last evaluated: 2023-06-07. Review status: criteria provided, single submitter. Criteria: Invitae Variant Classification Sherloc (09022015). Collection method: clinical testing. Allele origin: germline.
Comment: This missense change has been observed in individual(s) with clinical features of PAX6-related conditions (Invitae). This variant is not present in population databases (gnomAD no frequency). This sequence change replaces proline, which is neutral and non-polar, with leucine, which is neutral and non-polar, at codon 68 of the PAX6 protein (p.Pro68Leu). ClinVar contains an entry for this variant (Variation ID: 947541). In summary, the available evidence is currently insufficient to determine the role of this variant in disease. Therefore, it has been classified as a Variant of Uncertain Significance. Advanced modeling of protein sequence and biophysical properties (such as structural, functional, and spatial information, amino acid conservation, physicochemical variation, residue mobility, and thermodynamic stability) performed at Invitae indicates that this missense variant is expected to disrupt PAX6 protein function.

NM_001368894.2(PAX6):c.245C>T (p.Pro82Leu)

Gene: PAX6 (paired box 6; minus strand). Cytogenetic location: 11p13.
Variant type: single nucleotide variant.
Coding change: c.245C>T on transcript NM_001368894.2 (MANE Select); coding-DNA position 245, C replaced by T.
Protein change: p.Pro82Leu; replaces proline 82 with leucine.
Molecular consequence: missense variant. On other transcripts: 5 prime UTR variant (14), non-coding transcript variant (2), intron variant (8).
Genome position (GRCh38, 1-based): chr11:31,801,715, G>A on the plus strand (C>T on the coding strand, the complement: PAX6 is on the minus strand). VCF-style: chr11-31801715-G-A. GRCh37 (hg19) VCF-style: chr11-31823263-G-A.
Other names: c.203C>T, p.Pro68Leu (NM_000280.6, NM_001127612.3, NM_001258464.2 and 10 more transcripts); c.245C>T, p.Pro82Leu (NM_001258462.3, NM_001258463.2, NM_001310158.2 and 6 more transcripts); c.-537C>T (NM_001310160.2, NM_001368902.2, NM_001368905.2); c.-206C>T (NM_001310161.3, NM_001368899.2, NM_001368900.2 and 8 more transcripts); c.446C>T, p.Pro149Leu (NM_001368910.2); c.248C>T, p.Pro83Leu (NM_001368911.2); c.320C>T, p.Pro107Leu (NM_001368918.2, NM_001368919.2); c.278C>T, p.Pro93Leu (NM_001368920.2); and 2 more; short protein forms P149L, P68L, P93L, P83L, P107L, P82L.
Identifiers: ClinVar variation 947541 (VCV000947541.9), dbSNP rs1953954636, ClinGen allele CA379958909.
Genomic context (GRCh38, chr11:31,801,715, plus strand): 5'-GCTATTTTGCTTACAACTTCTGGAGTCGCTACTCTCGGTTTACTACCACCGATTGCCCTG[G>A]GTCTGATGGAGCCAGTCTCGTAATACCTGCCCAGAATTTTACTCACACATCCGTTGGACA-3'
Protein context (NP_001355823.1, residues 72-92): GRYYETGSIR[Pro82Leu]RAIGGSKPRV